The following is an entry in ClinVar:

ClinVar aggregate classification (germline): Uncertain significance (1 of 4 stars; one submission).

Conditions:
Hypertrophic cardiomyopathy. Also called: HYPERTROPHIC MYOCARDIOPATHY. Identifiers: Orphanet 217569, MedGen C0007194, MeSH D002312, MONDO:0005045, HP:0001639.

Submission:

Labcorp Genetics (formerly Invitae), Labcorp
Classification: Uncertain significance for Hypertrophic cardiomyopathy. Last evaluated: 2024-08-08. Review status: criteria provided, single submitter. Criteria: Invitae Variant Classification Sherloc (09022015). Collection method: clinical testing. Allele origin: germline.
Comment: This sequence change replaces glutamic acid, which is acidic and polar, with glycine, which is neutral and non-polar, at codon 1823 of the MYH7 protein (p.Glu1823Gly). This variant is not present in population databases (gnomAD no frequency). This variant has not been reported in the literature in individuals affected with MYH7-related conditions. Advanced modeling of protein sequence and biophysical properties (such as structural, functional, and spatial information, amino acid conservation, physicochemical variation, residue mobility, and thermodynamic stability) performed at Invitae indicates that this missense variant is expected to disrupt MYH7 protein function with a positive predictive value of 95%. In summary, the available evidence is currently insufficient to determine the role of this variant in disease. Therefore, it has been classified as a Variant of Uncertain Significance.

NM_000257.4(MYH7):c.5468A>G (p.Glu1823Gly)

Gene: MYH7 (myosin heavy chain 7; minus strand). Cytogenetic location: 14q11.2.
Variant type: single nucleotide variant.
Coding change: c.5468A>G on transcript NM_000257.4 (MANE Select); coding-DNA position 5468, A replaced by G.
Protein change: p.Glu1823Gly; replaces glutamic acid 1823 with glycine.
Molecular consequence: missense variant.
Genome position (GRCh38, 1-based): chr14:23,415,086, T>C on the plus strand (A>G on the coding strand, the complement: MYH7 is on the minus strand). VCF-style: chr14-23415086-T-C. GRCh37 (hg19) VCF-style: chr14-23884295-T-C.
Other names: c.5468A>G, p.Glu1823Gly (NM_001407004.1); short protein forms E1823G.
Identifiers: ClinVar variation 3682205 (VCV003682205.2).
Genomic context (GRCh38, chr14:23,415,086, plus strand): 5'-CTCTTCCTCATGCCCTTCACCGACTCTGCGTTGCGCTTCTGCTCGGCCTCCAGCTCATTC[T>C]CCAGCTCCCGCACCCGCGCTTCCAGCTTCTGCAGCTGCTTCTTGCCGCCCTTGAGGGCGA-3'
Protein context (NP_000248.2, residues 1813-1833): QKLEARVREL[Glu1823Gly]NELEAEQKRN